The following is an entry in ClinVar:

NM_004281.4(BAG3):c.355A>G (p.Met119Val)

Gene: BAG3 (BAG cochaperone 3; plus strand). Cytogenetic location: 10q26.11.
Variant type: single nucleotide variant.
Coding change: c.355A>G on transcript NM_004281.4 (MANE Select); coding-DNA position 355, A replaced by G.
Protein change: p.Met119Val; replaces methionine 119 with valine.
Molecular consequence: missense variant.
Genome position (GRCh38, 1-based): chr10:119,670,025, A>G. VCF-style: chr10-119670025-A-G. GRCh37 (hg19) VCF-style: chr10-121429537-A-G.
Other names: short protein forms M119V.
Identifiers: ClinVar variation 1518536 (VCV001518536.31), dbSNP rs1334163509, ClinGen allele CA378294924.

ClinVar aggregate classification (germline): Uncertain significance. Review status: criteria provided, multiple submitters, no conflicts (2 of 4 stars). 2 submissions from 2 submitters: Uncertain significance (2). Last evaluated 2025-08-11.

Conditions:
Dilated cardiomyopathy 1HH (CMD1HH). Identifiers: Orphanet 154, MedGen C3151293, MONDO:0013479, OMIM 613881.
Myofibrillar myopathy 6. Identifiers: Orphanet 199340, MedGen C2751831, MONDO:0013061, OMIM 612954.

Allele frequency attached by ClinVar (database versions not stated): gnomAD exomes below 0.00001.

Submissions (2):

Labcorp Genetics (formerly Invitae), Labcorp
Classification: Uncertain significance for Dilated cardiomyopathy 1HH; Myofibrillar myopathy 6. Last evaluated: 2025-08-11. Review status: criteria provided, single submitter. Criteria: Invitae Variant Classification Sherloc (09022015). Collection method: clinical testing. Allele origin: germline.
Comment: This sequence change replaces methionine, which is neutral and non-polar, with valine, which is neutral and non-polar, at codon 119 of the BAG3 protein (p.Met119Val). This variant is present in population databases (no rsID available, gnomAD 0.0009%). This variant has not been reported in the literature in individuals affected with BAG3-related conditions. ClinVar contains an entry for this variant (Variation ID: 1518536). Invitae Evidence Modeling of protein sequence and biophysical properties (such as structural, functional, and spatial information, amino acid conservation, physicochemical variation, residue mobility, and thermodynamic stability) indicates that this missense variant is not expected to disrupt BAG3 protein function with a negative predictive value of 80%. In summary, the available evidence is currently insufficient to determine the role of this variant in disease. Therefore, it has been classified as a Variant of Uncertain Significance.

CeGaT Center for Human Genetics Tuebingen
Classification: Uncertain significance. Last evaluated: 2023-01-01. Review status: criteria provided, single submitter. Criteria: CeGaT Center For Human Genetics Tuebingen Variant Classification Criteria Version 2. Collection method: clinical testing. Allele origin: germline. Affected: yes. Observed: 1 variant allele.
Comment: BAG3: PM2, BP4